The following is an entry in ClinVar:

ClinVar aggregate classification (germline): Uncertain significance (1 of 4 stars; one submission).

Allele frequency attached by ClinVar (database versions not stated): gnomAD exomes 0.00003; ExAC 0.00007; gnomAD 0.00027; ESP Exome Variant Server 0.00038; TOPMed 0.00039.
gnomAD v4.1: 87 of 1,613,850 alleles (0.0054%); highest among the groups gnomAD compares: African/African-American, 0.093%; no homozygotes.

Submission:

Labcorp Genetics (formerly Invitae), Labcorp
Classification: Uncertain significance. Last evaluated: 2022-08-21. Review status: criteria provided, single submitter. Criteria: Invitae Variant Classification Sherloc (09022015). Collection method: clinical testing. Allele origin: germline.
Comment: This sequence change replaces glutamine, which is neutral and polar, with histidine, which is basic and polar, at codon 147 of the LIPT1 protein (p.Gln147His). This variant is present in population databases (rs137857528, gnomAD 0.08%). This variant has not been reported in the literature in individuals affected with LIPT1-related conditions. Algorithms developed to predict the effect of missense changes on protein structure and function (SIFT, PolyPhen-2, Align-GVGD) all suggest that this variant is likely to be tolerated. In summary, the available evidence is currently insufficient to determine the role of this variant in disease. Therefore, it has been classified as a Variant of Uncertain Significance.

NM_145199.3(LIPT1):c.441G>T (p.Gln147His)

Genes: LIPT1 (lipoyltransferase 1; plus strand), MITD1 (microtubule interacting and trafficking domain containing 1; minus strand). Cytogenetic location: 2q11.2.
Variant type: single nucleotide variant.
Coding change: c.441G>T on transcript NM_145199.3 (MANE Select); coding-DNA position 441, G replaced by T.
Protein change: p.Gln147His; replaces glutamine 147 with histidine.
Molecular consequence: missense variant. On other transcripts: non-coding transcript variant (2).
Genome position (GRCh38, 1-based): chr2:99,162,398, G>T. VCF-style: chr2-99162398-G-T. GRCh37 (hg19) VCF-style: chr2-99778861-G-T.
Other names: c.441G>T, p.Gln147His (NM_001204830.2, NM_015929.4, NM_145197.3 and 1 more transcripts); short protein forms Q147H.
Identifiers: ClinVar variation 2003278 (VCV002003278.1), dbSNP rs137857528, ClinGen allele CA1797316.